The following is an entry in ClinVar:

ClinVar aggregate classification (germline): Conflicting classifications of pathogenicity. Review status: criteria provided, conflicting classifications (1 of 4 stars). 2 submissions from 2 submitters: Uncertain significance (1); Likely benign (1). Last evaluated 2025-09-04.

Conditions:
Inborn genetic diseases. Identifiers: MedGen C0950123, MeSH D030342.

Allele frequency attached by ClinVar (database versions not stated): TOPMed 0.00001; ExAC 0.00002.

Submissions (2):

Labcorp Genetics (formerly Invitae), Labcorp
Classification: Uncertain significance. Last evaluated: 2025-09-04. Review status: criteria provided, single submitter. Criteria: Invitae Variant Classification Sherloc (09022015). Collection method: clinical testing. Allele origin: germline.
Comment: This sequence change replaces cysteine, which is neutral and slightly polar, with serine, which is neutral and polar, at codon 3 of the FAM111A protein (p.Cys3Ser). This variant is present in population databases (rs748812251, gnomAD 0.01%). This variant has not been reported in the literature in individuals affected with FAM111A-related conditions. ClinVar contains an entry for this variant (Variation ID: 2083186). An algorithm developed to predict the effect of missense changes on protein structure and function outputs the following: PolyPhen-2: "Benign". The serine amino acid residue is found in multiple mammalian species, which suggests that this missense change does not adversely affect protein function. In summary, the available evidence is currently insufficient to determine the role of this variant in disease. Therefore, it has been classified as a Variant of Uncertain Significance.

Ambry Genetics
Classification: Likely benign for Inborn genetic diseases. Last evaluated: 2025-08-25. Review status: criteria provided, single submitter. Criteria: Ambry Variant Classification Scheme 2023. Collection method: clinical testing. Allele origin: germline.

NM_001312909.2(FAM111A):c.8G>C (p.Cys3Ser)

Gene: FAM111A (FAM111 trypsin like peptidase A; plus strand). Cytogenetic location: 11q12.1.
Variant type: single nucleotide variant.
Coding change: c.8G>C on transcript NM_001312909.2 (MANE Select); coding-DNA position 8, G replaced by C.
Protein change: p.Cys3Ser; replaces cysteine 3 with serine.
Molecular consequence: missense variant.
Genome position (GRCh38, 1-based): chr11:59,148,880, G>C. VCF-style: chr11-59148880-G-C. GRCh37 (hg19) VCF-style: chr11-58916353-G-C.
Other names: c.8G>C (NM_001142520.1); c.8G>C, p.Cys3Ser (NM_001142519.3, NM_001142520.3, NM_001142521.3 and 29 more transcripts); short protein forms C3S.
Identifiers: ClinVar variation 2083186 (VCV002083186.5), dbSNP rs748812251, ClinGen allele CA6016470.
Genomic context (GRCh38, chr11:59,148,880, plus strand): 5'-GAAAATTTGAAATTAGTGTTTCAGCTGAACCATCCGTTCATCTTCAAGCCATCATGAGCT[G>C]TAAGAAGCAGAGGTCACGGAAGCACTCAGTCAATGAAAAATGTAATATGAAAATCGAGCA-3'
Protein context (NP_001299838.1, residues 1-13): MS[Cys3Ser]KKQRSRKHSV